The following is an entry in ClinVar:

NM_000143.4(FH):c.1390+6T>A

Gene: FH (fumarate hydratase; minus strand). Cytogenetic location: 1q43.
Variant type: single nucleotide variant.
Coding change: c.1390+6T>A on transcript NM_000143.4 (MANE Select); 6 bases into the intron after coding-DNA position 1390, T replaced by A.
Molecular consequence: intron variant.
Genome position (GRCh38, 1-based): chr1:241,500,431, A>T on the plus strand (T>A on the coding strand, the complement: FH is on the minus strand). VCF-style: chr1-241500431-A-T. GRCh37 (hg19) VCF-style: chr1-241663731-A-T.
Identifiers: ClinVar variation 1052714 (VCV001052714.16), dbSNP rs1338650106, ClinGen allele CA530378938.

ClinVar aggregate classification (germline): Conflicting classifications of pathogenicity. Review status: criteria provided, conflicting classifications (1 of 4 stars). 3 submissions from 3 submitters: Uncertain significance (1); Likely benign (1). 1 of the submissions does not count toward it. Last evaluated 2025-10-15.

Conditions:
Fumarase deficiency (FMRD). Also called: Fumarate Hydratase Deficiency; Fumaric aciduria. Identifiers: Orphanet 24, MedGen C0342770, MONDO:0011730, OMIM 606812.

Allele frequency attached by ClinVar (database versions not stated): gnomAD 0.00001.
gnomAD v4.1: 2 of 1,613,236 alleles (0.00012%); highest among the groups gnomAD compares: Admixed American, 0.0033%; no homozygotes.

Submissions (3):

Labcorp Genetics (formerly Invitae), Labcorp
Classification: Likely benign. Last evaluated: 2025-10-15. Review status: criteria provided, single submitter. Criteria: Invitae Variant Classification Sherloc (09022015). Collection method: clinical testing. Allele origin: germline.

GeneDx
Classification: Uncertain significance. Last evaluated: 2024-02-25. Review status: criteria provided, single submitter. Criteria: GeneDx Variant Classification Process June 2021. Collection method: clinical testing. Allele origin: germline. Affected: yes.
Comment: Not observed at significant frequency in large population cohorts (gnomAD); Published RNA studies suggest this variant may impact gene splicing (PMID: 32471518); Identified as a somatic variant in the tumor from a patient with papillary renal cell carcinoma and a known germline FH pathogenic variant (PMID: 32471518); In silico analysis supports that this variant does not alter splicing; This variant is associated with the following publications: (PMID: 32471518)

Natera, Inc.
Classification: Uncertain significance for Fumarase Deficiency. Last evaluated: 2021-06-04. Review status: no assertion criteria provided. Collection method: clinical testing. Allele origin: germline. Not counted in ClinVar's aggregate classification.